The following is an entry in ClinVar:

NM_000051.4(ATM):c.4092C>A (p.Asp1364Glu)

Gene: ATM (ATM serine/threonine kinase; plus strand). Cytogenetic location: 11q22.3.
Variant type: single nucleotide variant.
Coding change: c.4092C>A on transcript NM_000051.4 (MANE Select); coding-DNA position 4092, C replaced by A.
Protein change: p.Asp1364Glu; replaces aspartic acid 1364 with glutamic acid.
Molecular consequence: missense variant.
Genome position (GRCh38, 1-based): chr11:108,287,698, C>A. VCF-style: chr11-108287698-C-A. GRCh37 (hg19) VCF-style: chr11-108158425-C-A.
Other names: c.4092C>A, p.Asp1364Glu (NM_001351834.2); short protein forms D1364E.
Identifiers: ClinVar variation 234248 (VCV000234248.16), dbSNP rs876660956, ClinGen allele CA10579133.

ClinVar aggregate classification (germline): Conflicting classifications of pathogenicity. Review status: criteria provided, conflicting classifications (1 of 4 stars). 5 submissions from 5 submitters: Uncertain significance (3); Likely benign (1). 1 of the submissions does not count toward it. Last evaluated 2025-06-27.

Conditions:
Hereditary cancer-predisposing syndrome. Also called: Tumor predisposition; Hereditary Cancer Syndrome; Hereditary neoplastic syndrome; Neoplastic Syndromes, Hereditary. Identifiers: Orphanet 140162, MedGen C0027672, MeSH D009386, MONDO:0015356.
Ataxia-telangiectasia syndrome (AT). Also called: Ataxia telangiectasia (A-T); LOUIS-BAR SYNDROME; Cerebello-oculocutaneous telangiectasia; Immunodeficiency with ataxia telangiectasia; ATAXIA-TELANGIECTASIA, COMPLEMENTATION GROUP A; ATAXIA-TELANGIECTASIA, FRESNO VARIANT. Identifiers: Orphanet 100, MedGen C0004135, MONDO:0008840, OMIM 208900.
Familial cancer of breast. Also called: hereditary breast carcinoma; BREAST CANCER, FAMILIAL; Hereditary breast cancer. Identifiers: Orphanet 227535, MedGen C0346153, MONDO:0016419, OMIM 114480. Disease mechanism: loss of function.

Submissions (5):

Labcorp Genetics (formerly Invitae), Labcorp
Classification: Uncertain significance for Ataxia-telangiectasia syndrome. Last evaluated: 2025-06-27. Review status: criteria provided, single submitter. Criteria: Invitae Variant Classification Sherloc (09022015). Collection method: clinical testing. Allele origin: germline.
Comment: This sequence change replaces aspartic acid, which is acidic and polar, with glutamic acid, which is acidic and polar, at codon 1364 of the ATM protein (p.Asp1364Glu). This variant is not present in population databases (gnomAD no frequency). This variant has not been reported in the literature in individuals affected with ATM-related conditions. ClinVar contains an entry for this variant (Variation ID: 234248). Invitae Evidence Modeling of protein sequence and biophysical properties (such as structural, functional, and spatial information, amino acid conservation, physicochemical variation, residue mobility, and thermodynamic stability) indicates that this missense variant is not expected to disrupt ATM protein function with a negative predictive value of 95%. In summary, the available evidence is currently insufficient to determine the role of this variant in disease. Therefore, it has been classified as a Variant of Uncertain Significance.

Ambry Genetics
Classification: Likely benign for Hereditary cancer-predisposing syndrome. Last evaluated: 2024-11-25. Review status: criteria provided, single submitter. Criteria: Ambry Variant Classification Scheme 2023. Collection method: clinical testing. Allele origin: germline.

Baylor Genetics
Classification: Uncertain significance for Familial cancer of breast. Last evaluated: 2024-03-01. Review status: criteria provided, single submitter. Criteria: ACMG Guidelines, 2015. Collection method: clinical testing. Allele origin: unknown.

Color Diagnostics, LLC DBA Color Health
Classification: Uncertain significance for Hereditary cancer-predisposing syndrome. Last evaluated: 2023-12-05. Review status: criteria provided, single submitter. Criteria: ACMG Guidelines, 2015. Collection method: clinical testing. Allele origin: germline.
Comment: This missense variant replaces aspartic acid with glutamic acid at codon 1364 of the ATM protein. Computational prediction suggests that this variant may not impact protein structure and function (internally defined REVEL score threshold <= 0.5, PMID: 27666373). To our knowledge, functional studies have not been reported for this variant. This variant has not been reported in individuals affected with ATM-related disorders in the literature. This variant has not been identified in the general population by the Genome Aggregation Database (gnomAD). The available evidence is insufficient to determine the role of this variant in disease conclusively. Therefore, this variant is classified as a Variant of Uncertain Significance.

Natera, Inc.
Classification: Uncertain significance for Ataxia-telangiectasia. Last evaluated: 2025-05-12. Review status: no assertion criteria provided. Collection method: clinical testing. Allele origin: germline. Not counted in ClinVar's aggregate classification.